The following is an entry in ClinVar:

ClinVar aggregate classification (germline): Likely pathogenic (1 of 4 stars; one submission).

Conditions:
Hepatoencephalopathy due to combined oxidative phosphorylation defect type 1. Also called: HEPATOENCEPHALOPATHY, EARLY FATAL PROGRESSIVE. Identifiers: Orphanet 137681, MedGen C1836797, MONDO:0012191, OMIM 609060.

Submission:

Natera, Inc.
Classification: Likely pathogenic for Combined oxidative phosphorylation deficiency 1. Last evaluated: 2025-03-11. Review status: criteria provided, single submitter. Criteria: Natera Variant Classification Schema (03/2026). Collection method: clinical testing. Allele origin: germline.
Comment: The c.956dup variant in GFM1 is a frameshift variant predicted to shift the reading frame beginning at codon 319 and leads to a stop codon 4 codons downstream. This variant is expected to result in nonsense mediated decay, truncation, or a dysfunctional protein product. This variant is rare in the general population with a frequency below the threshold expected for the associated phenotype(s). Given the available evidence, this variant is classified as Likely Pathogenic.

NM_024996.7(GFM1):c.956dup (p.Asn319fs)

Gene: GFM1 (G elongation factor mitochondrial 1; plus strand). Cytogenetic location: 3q25.32.
Variant type: Duplication.
Coding change: c.956dup on transcript NM_024996.7 (MANE Select); coding-DNA position 956, one base duplicated (A; older notation c.956dupA).
Protein change: p.Asn319fs; shifts the reading frame from asparagine 319.
Molecular consequence: frameshift variant. On other transcripts: non-coding transcript variant (4).
Genome position (GRCh38, 1-based): chr3:158,653,425, A duplicated; the last of 3 consecutive A bases (chr3:158,653,423-158,653,425); duplicating any one gives the same sequence. VCF-style (leftmost placement, unchanged base first): chr3-158653422-C-CA. GRCh37 (hg19) VCF-style: chr3-158371211-C-CA.
Other names: c.1013dup, p.Asn338fs (NM_001308164.2, NM_001374355.1); c.956dup, p.Asn319fs (NM_001308166.2); c.839dup, p.Asn280fs (NM_001374356.1); c.731dup, p.Asn244fs (NM_001374357.1); c.497dup, p.Asn166fs (NM_001374358.1); c.389dup, p.Asn130fs (NM_001374359.1, NM_001374360.1); c.272dup, p.Asn91fs (NM_001374361.1); short protein forms N130fs, N166fs, N244fs, N280fs, N319fs, N338fs, N91fs.
Identifiers: ClinVar variation 4068584 (VCV004068584.2).
Genomic context (GRCh38, chr3:158,653,422, plus strand): 5'-GAAGCGCCTTGAAGAACAAAGGAGTTCAGCCTCTTTTAGATGCTGTTTTAGAATACCTCC[C>CA]AAATCCATCTGAAGTCCAGAACTATGCTATTCTCAATAAAGAGGAGTAAGTCTTGAAAAT-3'